The following is an entry in ClinVar:

NM_001143764.3(SYCE1):c.154C>T (p.Arg52Ter)

Gene: SYCE1 (synaptonemal complex central element protein 1; minus strand). Cytogenetic location: 10q26.3.
Variant type: single nucleotide variant.
Coding change: c.154C>T on transcript NM_001143764.3 (MANE Select); coding-DNA position 154, C replaced by T.
Protein change: p.Arg52Ter; replaces arginine 52 with a stop codon.
Molecular consequence: nonsense.
Genome position (GRCh38, 1-based): chr10:133,559,343, G>A on the plus strand (C>T on the coding strand, the complement: SYCE1 is on the minus strand). VCF-style: chr10-133559343-G-A. GRCh37 (hg19) VCF-style: chr10-135372847-G-A.
Other names: c.154C>T, p.Arg52Ter (NM_001143763.2); c.46C>T, p.Arg16Ter (NM_130784.4); short protein forms R16*, R52*.
Identifiers: ClinVar variation 5019407 (VCV005019407.2).

ClinVar aggregate classification (germline): Uncertain significance (1 of 4 stars; one submission).

Conditions:
Premature ovarian failure 12 (POF12). Identifiers: MedGen C4310782, MONDO:0014844, OMIM 616947.
Spermatogenic failure 15 (SPGF15). Identifiers: MedGen C4310779, MONDO:0014847, OMIM 616950.

gnomAD v4.1: 8 of 1,614,072 alleles (0.0005%); highest among the groups gnomAD compares: East Asian, 0.0022%; no homozygotes.

Submission:

Juno Genomics, Hangzhou Juno Genomics, Inc
Classification: Uncertain significance for Spermatogenic failure 15; Premature ovarian failure 12. Review status: criteria provided, single submitter. Criteria: ACMG Guidelines, 2015. Collection method: clinical testing. Allele origin: germline.
Comment: Absent from controls (or at extremely low frequency if recessive) in Genome Aggregation Database.;Null variant in a gene where loss of function (LOF) is a known mechanism of disease.